The following is an entry in ClinVar:

ClinVar aggregate classification (germline): Uncertain significance (1 of 4 stars; one submission).

Conditions:
Cardiomyopathy (CMYO). Also called: Cardiomyopathies. Identifiers: Orphanet 167848, MedGen C0878544, MONDO:0004994, HP:0001638. Inheritance: Various modes of inheritance.

Submission:

Color Diagnostics, LLC DBA Color Health
Classification: Uncertain significance for Cardiomyopathy. Last evaluated: 2025-02-10. Review status: criteria provided, single submitter. Criteria: ACMG Guidelines, 2015. Collection method: clinical testing. Allele origin: germline.
Comment: This variant inserts 19 nucleotides in exon 15/15 of the DSG2 gene, creating a frameshift and premature translation stop signal in the last exon. To our knowledge, this variant has not been reported in individuals affected with DSG2-related disorders in the literature. This variant has not been identified in the general population by the Genome Aggregation Database (gnomAD). The available evidence is insufficient to determine the role of this variant in disease conclusively. Therefore, this variant is classified as a Variant of Uncertain Significance.

NM_001943.5(DSG2):c.2396_2399delinsTGAGAATAAACCAGT (p.Tyr799fs)

Genes: DSG2 (desmoglein 2; plus strand), DSG2-AS1 (DSG2 antisense RNA 1; minus strand). Cytogenetic location: 18q12.1.
Variant type: Indel.
Coding change: c.2396_2399delinsTGAGAATAAACCAGT on transcript NM_001943.5 (MANE Select); coding-DNA positions 2396 to 2399, ATTC replaced by TGAGAATAAACCAGT.
Protein change: p.Tyr799fs; shifts the reading frame from tyrosine 799.
Molecular consequence: frameshift variant. On other transcripts: non-coding transcript variant (1).
Genome position (GRCh38, 1-based): chr18:31,545,782-31,545,785, ATTC replaced by TGAGAATAAACCAGT. VCF-style: chr18-31545782-ATTC-TGAGAATAAACCAGT. GRCh37 (hg19) VCF-style: chr18-29125745-ATTC-TGAGAATAAACCAGT.
Other names: short protein forms Y799fs.
Identifiers: ClinVar variation 3894208 (VCV003894208.1).